The following is an entry in ClinVar:

NM_005475.3(SH2B3):c.403T>G (p.Phe135Val)

Gene: SH2B3 (SH2B adaptor protein 3; plus strand). Cytogenetic location: 12q24.12.
Variant type: single nucleotide variant.
Coding change: c.403T>G on transcript NM_005475.3 (MANE Select); coding-DNA position 403, T replaced by G.
Protein change: p.Phe135Val; replaces phenylalanine 135 with valine.
Molecular consequence: missense variant.
Genome position (GRCh38, 1-based): chr12:111,418,548, T>G. VCF-style: chr12-111418548-T-G. GRCh37 (hg19) VCF-style: chr12-111856352-T-G.
Other names: short protein forms F135V.
Identifiers: ClinVar variation 3953493 (VCV003953493.1).

ClinVar aggregate classification (germline): Uncertain significance (1 of 4 stars; one submission).

Conditions:
Inborn genetic diseases. Identifiers: MedGen C0950123, MeSH D030342.

Submission:

Ambry Genetics
Classification: Uncertain significance for Inborn genetic diseases. Last evaluated: 2025-05-11. Review status: criteria provided, single submitter. Criteria: Ambry Variant Classification Scheme 2023. Collection method: clinical testing. Allele origin: germline.
Comment: The p.F135V variant (also known as c.403T>G), located in coding exon 1 of the SH2B3 gene, results from a T to G substitution at nucleotide position 403. The phenylalanine at codon 135 is replaced by valine, an amino acid with highly similar properties. This amino acid position is conserved. In addition, this alteration is predicted to be tolerated by in silico analysis. Based on the available evidence, the clinical significance of this variant remains unclear.